The following is an entry in ClinVar:

ClinVar aggregate classification (germline): Conflicting classifications of pathogenicity. Review status: criteria provided, conflicting classifications (1 of 4 stars). 4 submissions from 4 submitters: Likely pathogenic (1); Uncertain significance (3). Last evaluated 2025-04-22.

Conditions:
Kartagener syndrome (CILD1). Also called: Dextrocardia bronchiectasis and sinusitis; SIEWERT SYNDROME; POLYNESIAN BRONCHIECTASIS; CILIARY DYSKINESIA, PRIMARY, 1; CILIARY DYSKINESIA, PRIMARY, 1, WITH OR WITHOUT SITUS INVERSUS; IMMOTILE CILIA SYNDROME. Identifiers: Orphanet 244, MedGen C4551906, MONDO:0009484, OMIM 244400.
Primary ciliary dyskinesia. Also called: Ciliary dyskinesia. Identifiers: Orphanet 244, MedGen C0008780, MONDO:0016575, HP:0012265.

Allele frequency attached by ClinVar (database versions not stated): TOPMed 0.00001.
gnomAD v4.1: 7 of 1,613,864 alleles (0.00043%); highest among the groups gnomAD compares: African/African-American, 0.0013%; no homozygotes.

Submissions (4):

Victorian Clinical Genetics Services, Murdoch Childrens Research Institute
Classification: Uncertain significance for Kartagener syndrome. Last evaluated: 2025-04-22. Review status: criteria provided, single submitter. Criteria: ACMG Guidelines, 2015. Collection method: clinical testing. Allele origin: germline. Affected: yes.
Comment: This variant is classified as VUS-3B. Evidence in support of pathogenic classification: Variant is present in gnomAD <0.01 for a recessive condition (v4: 7 heterozygote(s), 0 homozygote(s)). Evidence in support of benign classification: Another missense variant(s) comparable to the one identified in this case has strong previous evidence for being BENIGN. p.(Val335Ile) is a well-reported single nucleotide polymorphism (PMID: 21143860), and has been classified as benign/likely benign by clinical laboratories in ClinVar. Additional information: Variant is predicted to result in a missense amino acid change from valine to phenylalanine; This variant is heterozygous; This gene is associated with autosomal recessive disease; Alternative amino acid change(s) at the same position are present in gnomAD (Highest allele count: v4: 205,810 heterozygote(s), 20,955 homozygote(s)); Previous evidence of pathogenicity for this variant is inconclusive. This variant has been classified as a VUS by clinical laboratories in ClinVar, and reported in the literature in a compound heterozygous fetus with congenital heart defect and suspected polysplenia (PMID: 30868567); No published segregation evidence has been identified for this variant; No published functional evidence has been identified for this variant; Variant is located in the annotated WD1 domain (UniProt); Missense variant with conflicting in silico prediction and uninformative conservation; Loss of function is a known mechanism of disease in this gene and is associated with primary ciliary dyskinesia 1, with or without situs inversus (MIM#244400); Inheritance information for this variant is not currently available in this individual.

Women's Health and Genetics/Laboratory Corporation of America, LabCorp
Classification: Uncertain significance. Last evaluated: 2024-07-05. Review status: criteria provided, single submitter. Criteria: LabCorp Variant Classification Summary - May 2015. Collection method: clinical testing. Allele origin: germline.
Comment: Variant summary: DNAI1 c.1003G>T (p.Val335Phe) results in a non-conservative amino acid change in the encoded protein sequence. Four of five in-silico tools predict a damaging effect of the variant on protein function. The variant allele was found at a frequency of 4e-06 in 251262 control chromosomes. The available data on variant occurrences in the general population are insufficient to allow any conclusion about variant significance. c.1003G>T has been reported in the literature as compound heterozygous genotype in an individual affected with clinical features of Kartagener syndrome (Westphal_2019). These data do not allow any conclusion about variant significance. To our knowledge, no experimental evidence demonstrating an impact on protein function has been reported. The following publication have been ascertained in the context of this evaluation (PMID: 30868567). ClinVar contains an entry for this variant (Variation ID: 525451). Based on the evidence outlined above, the variant was classified as uncertain significance.

Labcorp Genetics (formerly Invitae), Labcorp
Classification: Uncertain significance for Primary ciliary dyskinesia. Last evaluated: 2021-09-07. Review status: criteria provided, single submitter. Criteria: Invitae Variant Classification Sherloc (09022015). Collection method: clinical testing. Allele origin: germline.
Comment: This sequence change replaces valine with phenylalanine at codon 335 of the DNAI1 protein (p.Val335Phe). The valine residue is highly conserved and there is a small physicochemical difference between valine and phenylalanine. This variant is present in population databases (rs11793196, ExAC 0.002%). This missense change has been observed in individual(s) with clinical features of DNAI1-related conditions (PMID: 30868567). Algorithms developed to predict the effect of missense changes on protein structure and function are either unavailable or do not agree on the potential impact of this missense change (SIFT: "Deleterious"; PolyPhen-2: "Possibly Damaging"; Align-GVGD: "Class C0"). In summary, the available evidence is currently insufficient to determine the role of this variant in disease. Therefore, it has been classified as a Variant of Uncertain Significance.

Institute of Human Genetics Munich, TUM University Hospital
Classification: Likely pathogenic for Kartagener syndrome. Last evaluated: 2018-07-19. Review status: criteria provided, single submitter. Criteria: Classification criteria August 2017. Collection method: clinical testing. Allele origin: maternal. Inheritance: Autosomal recessive inheritance. Affected: yes. Observed: 1 compound heterozygote.

Literature cited by the submitters: PubMed 30868567 (cited by 3 submitters); PubMed 21143860 (cited by Victorian Clinical Genetics Services, Murdoch Childrens Research Institute).

NM_012144.4(DNAI1):c.1003G>T (p.Val335Phe)

Gene: DNAI1 (dynein axonemal intermediate chain 1; plus strand). Cytogenetic location: 9p13.3.
Variant type: single nucleotide variant.
Coding change: c.1003G>T on transcript NM_012144.4 (MANE Select); coding-DNA position 1003, G replaced by T.
Protein change: p.Val335Phe; replaces valine 335 with phenylalanine.
Molecular consequence: missense variant.
Genome position (GRCh38, 1-based): chr9:34,500,823, G>T. VCF-style: chr9-34500823-G-T. GRCh37 (hg19) VCF-style: chr9-34500821-G-T.
Other names: c.1015G>T, p.Val339Phe (NM_001281428.2); short protein forms V335F, V339F.
Identifiers: ClinVar variation 525451 (VCV000525451.11), dbSNP rs11793196, ClinGen allele CA5034245.